The following is an entry in ClinVar:

NM_014844.5(TECPR2):c.1517C>T (p.Ser506Leu)

Gene: TECPR2 (tectonin beta-propeller repeat containing 2; plus strand). Cytogenetic location: 14q32.31.
Variant type: single nucleotide variant.
Coding change: c.1517C>T on transcript NM_014844.5 (MANE Select); coding-DNA position 1517, C replaced by T.
Protein change: p.Ser506Leu; replaces serine 506 with leucine.
Molecular consequence: missense variant.
Genome position (GRCh38, 1-based): chr14:102,434,334, C>T. VCF-style: chr14-102434334-C-T. GRCh37 (hg19) VCF-style: chr14-102900671-C-T.
Other names: c.1517C>T, p.Ser506Leu (NM_001172631.3); short protein forms S506L.
Identifiers: ClinVar variation 3902673 (VCV003902673.1).

ClinVar aggregate classification (germline): Uncertain significance (1 of 4 stars; one submission).

gnomAD v4.1: 4 of 1,464,782 alleles (0.00027%); highest among the groups gnomAD compares: South Asian, 0.0017%; no homozygotes.

Submission:

Women's Health and Genetics/Laboratory Corporation of America, LabCorp
Classification: Uncertain significance. Last evaluated: 2025-05-27. Review status: criteria provided, single submitter. Criteria: LabCorp Variant Classification Summary - May 2015. Collection method: clinical testing. Allele origin: germline.
Comment: Variant summary: TECPR2 c.1517C>T (p.Ser506Leu) results in a non-conservative amino acid change in the encoded protein sequence. Algorithms developed to predict the effect of missense changes on protein structure and function are either unavailable or do not agree on the potential impact of this missense change. The variant was absent in 172958 control chromosomes (gnomAD). The available data on variant occurrences in the general population are insufficient to allow any conclusion about variant significance. To our knowledge, no occurrence of c.1517C>T in individuals affected with Hereditary spastic paraplegia 49 and no experimental evidence demonstrating its impact on protein function have been reported. No submitters have cited clinical-significance assessments for this variant to ClinVar. Based on the evidence outlined above, the variant was classified as uncertain significance.